The following is an entry in ClinVar:

ClinVar aggregate classification (germline): Uncertain significance (1 of 4 stars; one submission).

Submission:

GeneDx
Classification: Uncertain significance. Last evaluated: 2026-04-27. Review status: criteria provided, single submitter. Criteria: GeneDx Variant Classification Process June 2021. Collection method: clinical testing. Allele origin: germline.
Comment: In silico analysis supports that this missense variant does not alter protein structure/function; Has not been previously published as pathogenic or benign to our knowledge

NM_000701.8(ATP1A1):c.1277G>C (p.Gly426Ala)

Gene: ATP1A1 (ATPase Na+/K+ transporting subunit alpha 1; plus strand). Cytogenetic location: 1p13.1.
Variant type: single nucleotide variant.
Coding change: c.1277G>C on transcript NM_000701.8 (MANE Select); coding-DNA position 1277, G replaced by C.
Protein change: p.Gly426Ala; replaces glycine 426 with alanine.
Molecular consequence: missense variant.
Genome position (GRCh38, 1-based): chr1:116,390,836, G>C. VCF-style: chr1-116390836-G-C. GRCh37 (hg19) VCF-style: chr1-116933458-G-C.
Other names: c.1277G>C, p.Gly426Ala (NM_001160233.2); c.1184G>C, p.Gly395Ala (NM_001160234.2); short protein forms G395A, G426A.
Identifiers: ClinVar variation 3365194 (VCV003365194.2).